The following is an entry in ClinVar:

NM_001374736.1(DST):c.19239+10A>T

Gene: DST (dystonin; minus strand). Cytogenetic location: 6p12.1.
Variant type: single nucleotide variant.
Coding change: c.19239+10A>T on transcript NM_001374736.1 (MANE Select); 10 bases into the intron after coding-DNA position 19239, A replaced by T.
Molecular consequence: intron variant.
Genome position (GRCh38, 1-based): chr6:56,508,519, T>A on the plus strand (A>T on the coding strand, the complement: DST is on the minus strand). VCF-style: chr6-56508519-T-A. GRCh37 (hg19) VCF-style: chr6-56373317-T-A.
Other names: c.12882+10A>T (NM_001144769.5); c.19239+10A>T (NM_001374722.1); c.19266+10A>T (NM_001374734.1); c.12468+10A>T (NM_001144770.2); c.12021+10A>T (NM_001374730.1); c.12348+10A>T (NM_001386100.1, NM_183380.4); c.18279+10A>T (NM_001374729.1); c.11370+10A>T (NM_015548.5).
Identifiers: ClinVar variation 795837 (VCV000795837.10), dbSNP rs767526367, ClinGen allele CA3867052.

ClinVar aggregate classification (germline): Likely benign. Review status: criteria provided, multiple submitters, no conflicts (2 of 4 stars). 2 submissions from 2 submitters: Likely benign (2). Last evaluated 2025-11-21.

Conditions:
Hereditary sensory and autonomic neuropathy type 6. Also called: HSAN VI; Neuropathy, hereditary sensory and autonomic, type VI. Identifiers: Orphanet 314381, MedGen C3539003, MONDO:0013839, OMIM 614653.
Epidermolysis bullosa simplex 3, localized or generalized intermediate, with BP230 deficiency (EBS3). Also called: Epidermolysis bullosa simplex, autosomal recessive 2; Epidermolysis bullosa simplex due to BP230 deficiency. Identifiers: Orphanet 412181, MedGen C3809470, MONDO:0014180, OMIM 615425.
DST-related disorder. Also called: DST-related condition; DST-related disorders.

Allele frequency attached by ClinVar (database versions not stated): gnomAD exomes 0.00003 and 0.00011; gnomAD 0.00010 and 0.00011; TOPMed 0.00009; ExAC 0.00003.

Submissions (2):

Labcorp Genetics (formerly Invitae), Labcorp
Classification: Likely benign for Epidermolysis bullosa simplex 3, localized or generalized intermediate, with BP230 deficiency; Hereditary sensory and autonomic neuropathy type 6. Last evaluated: 2025-11-21. Review status: criteria provided, single submitter. Criteria: Invitae Variant Classification Sherloc (09022015). Collection method: clinical testing. Allele origin: germline.

PreventionGenetics, part of Exact Sciences
Classification: Likely benign for DST-related condition. Last evaluated: 2025-05-29. Review status: criteria provided, single submitter. Criteria: ACMG Guidelines, 2015. Collection method: clinical testing. Allele origin: germline.
Comment: This variant is classified as likely benign based on ACMG/AMP sequence variant interpretation guidelines (Richards et al. 2015 PMID: 25741868, with internal and published modifications).